The following is an entry in ClinVar:

NM_198525.3(KIF7):c.1251C>A (p.Asp417Glu)

Gene: KIF7 (kinesin family member 7; minus strand). Cytogenetic location: 15q26.1.
Variant type: single nucleotide variant.
Coding change: c.1251C>A on transcript NM_198525.3 (MANE Select); coding-DNA position 1251, C replaced by A.
Protein change: p.Asp417Glu; replaces aspartic acid 417 with glutamic acid.
Molecular consequence: missense variant.
Genome position (GRCh38, 1-based): chr15:89,648,447, G>T on the plus strand (C>A on the coding strand, the complement: KIF7 is on the minus strand). VCF-style: chr15-89648447-G-T. GRCh37 (hg19) VCF-style: chr15-90191678-G-T.
Other names: short protein forms D417E.
Identifiers: ClinVar variation 2199797 (VCV002199797.2), dbSNP rs1964057629, ClinGen allele CA393771591.

ClinVar aggregate classification (germline): Uncertain significance (1 of 4 stars; one submission).

Conditions:
Acrocallosal syndrome (ACLS). Also called: HALLUX DUPLICATION, POSTAXIAL POLYDACTYLY, AND ABSENCE OF CORPUS CALLOSUM; Schinzel syndrome 1; Absence of corpus callosum with unusual facial appearance, mental deficiency, duplication of the halluces and polydactyly. Identifiers: Orphanet 36, MedGen C0796147, MONDO:0008708, OMIM 200990.

Allele frequency attached by ClinVar (database versions not stated): gnomAD 0.00001; 1000 Genomes Project 30x 0.00031.
gnomAD v4.1: 3 of 1,094,386 alleles (0.00027%); highest among the groups gnomAD compares: East Asian, 0.011%; no homozygotes.

Submission:

Labcorp Genetics (formerly Invitae), Labcorp
Classification: Uncertain significance for Acrocallosal syndrome. Last evaluated: 2022-05-30. Review status: criteria provided, single submitter. Criteria: Invitae Variant Classification Sherloc (09022015). Collection method: clinical testing. Allele origin: germline.
Comment: In summary, the available evidence is currently insufficient to determine the role of this variant in disease. Therefore, it has been classified as a Variant of Uncertain Significance. This sequence change replaces aspartic acid, which is acidic and polar, with glutamic acid, which is acidic and polar, at codon 417 of the KIF7 protein (p.Asp417Glu). This variant is not present in population databases (gnomAD no frequency). This variant has not been reported in the literature in individuals affected with KIF7-related conditions. Algorithms developed to predict the effect of missense changes on protein structure and function are either unavailable or do not agree on the potential impact of this missense change (SIFT: "Deleterious"; PolyPhen-2: "Benign"; Align-GVGD: "Class C0"). Algorithms developed to predict the effect of sequence changes on RNA splicing suggest that this variant may create or strengthen a splice site.